The following is an entry in ClinVar:

ClinVar aggregate classification (germline): Likely benign. Review status: criteria provided, multiple submitters, no conflicts (2 of 4 stars). 4 submissions from 4 submitters: Likely benign (4). Last evaluated 2025-11-01.

Conditions:
Inborn genetic diseases. Identifiers: MedGen C0950123, MeSH D030342.
KBG syndrome (KBGS). Also called: ANKRD11-Related KBG Syndrome. Identifiers: Orphanet 2332, MedGen C0220687, MONDO:0007846, OMIM 148050.

Allele frequency attached by ClinVar (database versions not stated): TOPMed 0.00001; 1000 Genomes Project 30x 0.00016; 1000 Genomes Project 0.00020.
gnomAD v4.1: 28 of 1,613,626 alleles (0.0017%); highest among the groups gnomAD compares: Middle Eastern, 0.016%; no homozygotes.

Submissions (4):

CeGaT Center for Human Genetics Tuebingen
Classification: Likely benign. Last evaluated: 2025-11-01. Review status: criteria provided, single submitter. Criteria: CeGaT Center For Human Genetics Tuebingen Variant Classification Criteria Version 2. Collection method: clinical testing. Allele origin: germline. Affected: yes. Observed: 1 variant allele.
Comment: ANKRD11: BP4, BP7

Blueprint Genetics
Classification: Likely benign. Last evaluated: 2023-09-04. Review status: criteria provided, single submitter. Criteria: ACMG Guidelines, 2015. Collection method: clinical testing. Allele origin: germline.

Labcorp Genetics (formerly Invitae), Labcorp
Classification: Likely benign for KBG syndrome. Last evaluated: 2022-11-22. Review status: criteria provided, single submitter. Criteria: Invitae Variant Classification Sherloc (09022015). Collection method: clinical testing. Allele origin: germline.

Ambry Genetics
Classification: Likely benign for Inborn genetic diseases. Last evaluated: 2018-07-13. Review status: criteria provided, single submitter. Criteria: Ambry Variant Classification Scheme 2023. Collection method: clinical testing. Allele origin: germline.

NM_013275.6(ANKRD11):c.1419C>T (p.Ser473=)

Gene: ANKRD11 (ankyrin repeat domain 11; minus strand). Cytogenetic location: 16q24.3.
Variant type: single nucleotide variant.
Coding change: c.1419C>T on transcript NM_013275.6 (MANE Select); coding-DNA position 1419, C replaced by T.
Protein change: p.Ser473=; no amino-acid change (serine 473 retained).
Molecular consequence: synonymous variant.
Genome position (GRCh38, 1-based): chr16:89,285,123, G>A on the plus strand (C>T on the coding strand, the complement: ANKRD11 is on the minus strand). VCF-style: chr16-89285123-G-A. GRCh37 (hg19) VCF-style: chr16-89351531-G-A.
Other names: c.1419C>T, p.Ser473= (NM_001256182.2, NM_001256183.2).
Identifiers: ClinVar variation 789228 (VCV000789228.17), dbSNP rs200455505, ClinGen allele CA8242778.